The following is an entry in ClinVar:

ClinVar aggregate classification (germline): Likely benign (1 of 4 stars; one submission).

Submission:

CeGaT Center for Human Genetics Tuebingen
Classification: Likely benign. Last evaluated: 2022-05-01. Review status: criteria provided, single submitter. Criteria: CeGaT Center For Human Genetics Tuebingen Variant Classification Criteria Version 2. Collection method: clinical testing. Allele origin: germline. Affected: yes. Observed: 1 variant allele.
Comment: SPEG: PM2:Supporting, BP4, BP7

NM_005876.5(SPEG):c.2916C>A (p.Ala972=)

Gene: SPEG (striated muscle enriched protein kinase; plus strand). Cytogenetic location: 2q35.
Variant type: single nucleotide variant.
Coding change: c.2916C>A on transcript NM_005876.5 (MANE Select); coding-DNA position 2916, C replaced by A.
Protein change: p.Ala972=; no amino-acid change (alanine 972 retained).
Molecular consequence: synonymous variant.
Genome position (GRCh38, 1-based): chr2:219,467,208, C>A. VCF-style: chr2-219467208-C-A. GRCh37 (hg19) VCF-style: chr2-220331930-C-A.
Identifiers: ClinVar variation 2651922 (VCV002651922.24), dbSNP rs940756998, ClinGen allele CA431429030.
Genomic context (GRCh38, chr2:219,467,208, plus strand): 5'-GGCCCCCGTGGCTGCTTTCCCCTCAGCACACCCTGAAAGCCGGTCCCTGGCCGTGCTGGC[C>A]CCCCTGCAGGACGTGGACGTGGGGGCCGGGGAGATGGCGCTGTTTGAGTGCCTGGTGGCG-3'
Protein context (NP_005867.3, residues 962-982): HPESRSLAVL[Ala972=]PLQDVDVGAG